The following is an entry in ClinVar:

NM_003647.3(DGKE):c.966G>A (p.Trp322Ter)

Gene: DGKE (diacylglycerol kinase epsilon; plus strand). Cytogenetic location: 17q22.
Variant type: single nucleotide variant.
Coding change: c.966G>A on transcript NM_003647.3 (MANE Select); coding-DNA position 966, G replaced by A.
Protein change: p.Trp322Ter; replaces tryptophan 322 with a stop codon.
Molecular consequence: nonsense.
Genome position (GRCh38, 1-based): chr17:56,848,773, G>A. VCF-style: chr17-56848773-G-A. GRCh37 (hg19) VCF-style: chr17-54926134-G-A.
Other names: short protein forms W322*.
Identifiers: ClinVar variation 135641 (VCV000135641.24), dbSNP rs138924661, ClinGen allele CA332175.

ClinVar aggregate classification (germline): Pathogenic. Review status: criteria provided, multiple submitters, no conflicts (2 of 4 stars). 12 submissions from 12 submitters: Pathogenic (10). 2 of the submissions do not count toward it. Last evaluated 2026-05-31.

Conditions:
Atypical hemolytic-uremic syndrome. Identifiers: Orphanet 2134, MedGen C2931788, MONDO:0016244.
Mesangiocapillary glomerulonephritis. Also called: Membranoproliferative glomerulonephritis. Identifiers: MedGen C0017662, MONDO:0002461, HP:0000793.
DGKE-related disorders.
DGKE-related disorder. Also called: DGKE-related condition.
Hemolytic uremic syndrome, atypical, susceptibility to, 7. Also called: AHUS, SUSCEPTIBILITY TO, 7. Identifiers: MedGen C3808620, MONDO:0100590.
Immunoglobulin-mediated membranoproliferative glomerulonephritis. Also called: NEPHROTIC SYNDROME, TYPE 7, WITH MEMBRANOPROLIFERATIVE GLOMERULONEPHRITIS; Nephrotic syndrome, type 7. Identifiers: Orphanet 329903, MedGen C3554330, MONDO:0014005, OMIM 615008.

Allele frequency attached by ClinVar (database versions not stated): ExAC 0.00006; gnomAD exomes 0.00009 and 0.00019; ESP Exome Variant Server 0.00015; gnomAD 0.00015 and 0.00016; TOPMed 0.00016.
gnomAD v4.1: 296 of 1,614,056 alleles (0.018%); highest among the groups gnomAD compares: Non-Finnish European, 0.024%; no homozygotes.

Submissions (12):

PreventionGenetics, part of Exact Sciences
Classification: Pathogenic for DGKE-related condition. Last evaluated: 2026-05-31. Review status: criteria provided, single submitter. Criteria: ACMG Guidelines, 2015. Collection method: clinical testing. Allele origin: germline.
Comment: The DGKE c.966G>A variant is predicted to result in premature protein termination (p.Trp322*). This variant has been reported in the homozygous or compound heterozygous state in multiple individuals with atypical hemolytic uremic syndrome or nephrotic syndrome (Lemaire et al. 2013. PubMed ID: 23542698; Reported as p.W322X, Bick et al. 2016. PubMed ID: 28496993; Bezdíčka et al. 2018. PubMed ID: 29869118). This variant is reported in 0.021% of alleles in individuals of European (non-Finnish) descent in gnomAD. Nonsense variants in DGKE are expected to be pathogenic. This variant is interpreted as pathogenic.

Labcorp Genetics (formerly Invitae), Labcorp
Classification: Pathogenic. Last evaluated: 2025-11-06. Review status: criteria provided, single submitter. Criteria: Invitae Variant Classification Sherloc (09022015). Collection method: clinical testing. Allele origin: germline.
Comment: This sequence change creates a premature translational stop signal (p.Trp322*) in the DGKE gene. It is expected to result in an absent or disrupted protein product. Loss-of-function variants in DGKE are known to be pathogenic (PMID: 23274426, 23542698). This variant is present in population databases (rs138924661, gnomAD 0.02%). This premature translational stop signal has been observed in individuals with nephrotic syndrome and atypical hemolytic uremic syndrome (PMID: 23542698, 25135762, 25854283, 28496993). ClinVar contains an entry for this variant (Variation ID: 135641). For these reasons, this variant has been classified as Pathogenic.

Genomenon, Inc
Classification: Pathogenic for Primary membranoproliferative glomerulonephritis. Last evaluated: 2025-09-26. Review status: criteria provided, single submitter. Criteria: Genomenon Sequence Variant Interpretation Standards - Updated. Collection method: curation. Allele origin: germline. Affected: yes.
Comment: DGKE p.Trp322Ter (c.966G>A) is a nonsense variant that introduces a premature stop codon at amino acid position 322, creating a truncated protein that is predicted to undergo nonsense-mediated mRNA decay. This variant has been observed in at least one proband affected with a DGKE-related disorder (PMID:25854283;23542698;28526779;32413569;28496993;32386968;32424742;25135762). The variant was found to segregate with disease in at least one affected family (PMID:25135762;25854283;32424742;23542698). It is absent or not present at a significant frequency in gnomAD. In conclusion, we classify DGKE p.Trp322Ter (c.966G>A) as a pathogenic variant.

Mayo Clinic Laboratories, Mayo Clinic
Classification: Pathogenic. Last evaluated: 2025-08-30. Review status: criteria provided, single submitter. Criteria: ACMG Guidelines, 2015. Collection method: clinical testing. Allele origin: germline. Observed: 4 variant alleles.
Comment: PP1, PM3_very_strong, PS4_moderate, PVS1

GeneDx
Classification: Pathogenic. Last evaluated: 2025-07-11. Review status: criteria provided, single submitter. Criteria: GeneDx Variant Classification Process June 2021. Collection method: clinical testing. Allele origin: germline. Affected: yes.
Comment: Nonsense variant predicted to result in protein truncation or nonsense mediated decay in a gene for which loss of function is a known mechanism of disease; This variant is associated with the following publications: (PMID: 23928913, 23875923, 29590070, 29869118, 25854283, 25135762, 28496993, 23542698, 32424742, 33751496, 32413569, 31345219, 35372954, 37369098, 38523675)

Blueprint Genetics
Classification: Pathogenic for DGKE-related disorders. Last evaluated: 2024-09-17. Review status: criteria provided, single submitter. Criteria: ACMG Guidelines, 2015. Collection method: clinical testing. Allele origin: germline. Affected: yes. Observed: 5 variant alleles.

Fulgent Genetics
Classification: Pathogenic for Immunoglobulin-mediated membranoproliferative glomerulonephritis. Last evaluated: 2022-04-07. Review status: criteria provided, single submitter. Criteria: ACMG Guidelines, 2015. Collection method: clinical testing. Allele origin: unknown.

Genome Diagnostics Laboratory, The Hospital for Sick Children
Classification: Pathogenic for Atypical hemolytic-uremic syndrome. Last evaluated: 2020-04-01. Review status: criteria provided, single submitter. Criteria: ACMG Guidelines, 2015. Collection method: clinical testing. Allele origin: germline.

Centre for Mendelian Genomics, University Medical Centre Ljubljana
Classification: Pathogenic for Immunoglobulin-mediated membranoproliferative glomerulonephritis. Last evaluated: 2019-06-12. Review status: criteria provided, single submitter. Criteria: ACMG Guidelines, 2015. Collection method: clinical testing. Allele origin: unknown. Affected: yes.
Comment: This variant was classified as: Pathogenic. The following ACMG criteria were applied in classifying this variant: PVS1,PS1,PM2.

Center for Precision Medicine, Vanderbilt University Medical Center
Classification: Pathogenic for Immunoglobulin-mediated membranoproliferative glomerulonephritis. Last evaluated: 2018-03-16. Review status: criteria provided, single submitter. Criteria: ACMG Guidelines, 2015. Collection method: research. Allele origin: germline. Inheritance: Autosomal recessive inheritance. Observed: 15 variant alleles, 14 heterozygotes, 1 homozygote. Clinical features observed: chronic renal failure, acute renal failure, nephritis/nephrosis/renal sclerosis, proteinuria, hemolytic-uremic syndrome, acquired hemolytic anemias, thrombocytopenia.

OMIM
Classification: risk factor for HEMOLYTIC UREMIC SYNDROME, ATYPICAL, SUSCEPTIBILITY TO, 7. Last evaluated: 2013-05-01. Review status: no assertion criteria provided. Collection method: literature only. Allele origin: germline. Not counted in ClinVar's aggregate classification.

Richard Lifton Laboratory, Yale University School of Medicine
Classification: Likely pathogenic for Atypical hemolytic uremic syndrome. Review status: no assertion criteria provided. Collection method: not provided. Allele origin: germline. Not counted in ClinVar's aggregate classification.
Comment: Autosomal recessive variant
ClinVar note: Converted during submission from probable-pathogenic to Likely pathogenic.

Literature cited by the submitters: PubMed 23274426 (cited by Labcorp Genetics (formerly Invitae), Labcorp); PubMed 23542698 (cited by 4 submitters); PubMed 25135762 (cited by 3 submitters); PubMed 25854283 (cited by 3 submitters); PubMed 28496993 (cited by 3 submitters); PubMed 28526779 (cited by Genomenon, Inc); PubMed 32413569 (cited by Genomenon, Inc); PubMed 32386968 (cited by Genomenon, Inc); PubMed 32424742 (cited by Genomenon, Inc); PubMed 28117080 (cited by Mayo Clinic Laboratories, Mayo Clinic); PubMed 29590070 (cited by Mayo Clinic Laboratories, Mayo Clinic); PubMed 29869118 (cited by Mayo Clinic Laboratories, Mayo Clinic); PubMed 24747643 (cited by Richard Lifton Laboratory, Yale University School of Medicine).